The following is an entry in ClinVar:

ClinVar aggregate classification (germline): Conflicting classifications of pathogenicity. Review status: criteria provided, conflicting classifications (1 of 4 stars). 5 submissions from 4 submitters: Uncertain significance (3); Benign (1); Likely benign (1). Last evaluated 2025-10-29.

Conditions:
Cardiovascular phenotype. Identifiers: MedGen CN230736.
Hereditary cancer-predisposing syndrome. Also called: Hereditary Cancer Syndrome; Neoplastic Syndromes, Hereditary; Tumor predisposition; Hereditary neoplastic syndrome. Identifiers: Orphanet 140162, MedGen C0027672, MeSH D009386, MONDO:0015356.
Neurofibromatosis, type 1 (NF1). Also called: Neurofibromatosis, type I; VON RECKLINGHAUSEN DISEASE; NEUROFIBROMATOSIS, TYPE I, SOMATIC; Peripheral type neurofibromatosis. Identifiers: Orphanet 636, MedGen C0027831, MONDO:0018975, OMIM 162200. Disease mechanism: loss of function.

Allele frequency attached by ClinVar (database versions not stated): gnomAD exomes below 0.00001; TOPMed below 0.00001; gnomAD 0.00003.
gnomAD v4.1: 24 of 1,613,916 alleles (0.0015%); highest among the groups gnomAD compares: South Asian, 0.0022%; no homozygotes.

Submissions (5):

Labcorp Genetics (formerly Invitae), Labcorp
Classification: Benign for Neurofibromatosis, type 1. Last evaluated: 2025-10-29. Review status: criteria provided, single submitter. Criteria: Invitae Variant Classification Sherloc (09022015). Collection method: clinical testing. Allele origin: germline.

Ambry Genetics
Classification: Likely benign for Cardiovascular phenotype; Hereditary cancer-predisposing syndrome. Last evaluated: 2022-10-04. Review status: criteria provided, single submitter. Criteria: Ambry Variant Classification Scheme 2023. Collection method: clinical testing. Allele origin: germline.

Genome-Nilou Lab
Classification: Uncertain significance for Neurofibromatosis, type 1. Last evaluated: 2022-03-15. Review status: criteria provided, single submitter. Criteria: ACMG Guidelines, 2015. Collection method: clinical testing. Allele origin: germline. Affected: no.

GeneDx
Classification: Uncertain significance. Last evaluated: 2019-08-06. Review status: criteria provided, single submitter. Criteria: GeneDx Variant Classification Process June 2021. Collection method: clinical testing. Allele origin: germline. Affected: yes.
Comment: In silico analysis, which includes protein predictors and evolutionary conservation, supports that this variant does not alter protein structure/function; Has not been previously published as pathogenic or benign in individuals with NF1-related features to our knowledge; This variant is associated with the following publications: (PMID: 30287823)

Ambry Genetics
Classification: Uncertain significance for Hereditary cancer-predisposing syndrome. Last evaluated: 2015-06-26. Review status: criteria provided, single submitter. Criteria: Ambry Autosomal Dominant and X-Linked criteria (10/2015). Collection method: clinical testing. Allele origin: germline. Observed: 1 variant allele.
Comment: Thep.I941Vvariant (also known as c.2821A>G), located in codingexon21 of theNF1gene, results from an A to G substitution at nucleotide position 2821. Theisoleucineatcodon941 is replaced byvaline, an amino acid with highly similar properties. This variant was not reported in population based cohorts in the following databases: Database of Single Nucleotide Polymorphisms (dbSNP), NHLBI ExomeSequencing Project (ESP), and 1000 Genomes Project. In the ESP, this variant was not observed in 6502 samples (13004 alleles) with coverage at this position. To date, this alteration has been detected with an allele frequency of approximately 0.002% (greater than 110000 alleles tested) in our clinical cohort. This amino acid position is highly conserved in available vertebrate species. In addition, this alteration is predicted to be tolerated by in silico analysis. Since supporting evidence is limited at this time, the clinical significance of p.I941V remains unclear.

NM_001042492.3(NF1):c.2821A>G (p.Ile941Val)

Gene: NF1 (neurofibromin 1; plus strand). Cytogenetic location: 17q11.2.
Variant type: single nucleotide variant.
Coding change: c.2821A>G on transcript NM_001042492.3 (MANE Select); coding-DNA position 2821, A replaced by G.
Protein change: p.Ile941Val; replaces isoleucine 941 with valine.
Molecular consequence: missense variant.
Genome position (GRCh38, 1-based): chr17:31,229,436, A>G. VCF-style: chr17-31229436-A-G. GRCh37 (hg19) VCF-style: chr17-29556454-A-G.
Other names: c.2821A>G, p.Ile941Val (NM_000267.4); short protein forms I941V.
Identifiers: ClinVar variation 232633 (VCV000232633.15), dbSNP rs876659888, ClinGen allele CA10580264.